The following is an entry in ClinVar:

NM_000531.6(OTC):c.116G>A (p.Gly39Asp)

Gene: OTC (ornithine transcarbamylase; plus strand). Cytogenetic location: Xp11.4.
Variant type: single nucleotide variant.
Coding change: c.116G>A on transcript NM_000531.6 (MANE Select); coding-DNA position 116, G replaced by A.
Protein change: p.Gly39Asp; replaces glycine 39 with aspartic acid.
Molecular consequence: missense variant.
Genome position (GRCh38, 1-based): chrX:38,367,329, G>A. VCF-style: chrX-38367329-G-A. GRCh37 (hg19) VCF-style: chrX-38226582-G-A.
Other names: short protein forms G39D.
Identifiers: ClinVar variation 654598 (VCV000654598.14), dbSNP rs1602014500, ClinGen allele CA412715916.
Genomic context (GRCh38, chrX:38,367,329, plus strand): 5'-CCTTTTAAATCTCTTTTTACAGGTGTGGACAACCACTACAAAATAAAGTGCAGCTGAAGG[G>A]CCGTGACCTTCTCACTCTAAAAAACTTTACCGGAGAAGAAATTAAATATATGCTATGGCT-3'
Protein context (NP_000522.3, residues 29-49): QPLQNKVQLK[Gly39Asp]RDLLTLKNFT

ClinVar aggregate classification (germline): Conflicting classifications of pathogenicity. Review status: criteria provided, conflicting classifications (1 of 4 stars). 5 submissions from 5 submitters: Pathogenic (1); Uncertain significance (3). 1 of the submissions does not count toward it. Last evaluated 2025-07-11.

Conditions:
OTC-related disorder. Also called: OTC-related condition.
Ornithine carbamoyltransferase deficiency (OTCD). Also called: ORNITHINE TRANSCARBAMYLASE DEFICIENCY; OTC DEFICIENCY; ORNITHINE TRANSCARBAMYLASE DEFICIENCY, HYPERAMMONEMIA DUE TO; Ornithine Carbamoyltransferase Deficiency Disease. Identifiers: Orphanet 664, MedGen C0268542, MONDO:0010703, OMIM 311250.

Submissions (5):

Women's Health and Genetics/Laboratory Corporation of America, LabCorp
Classification: Uncertain significance. Last evaluated: 2025-07-11. Review status: criteria provided, single submitter. Criteria: LabCorp Variant Classification Summary - May 2015. Collection method: clinical testing. Allele origin: germline.
Comment: Variant summary: OTC c.116G>A (p.Gly39Asp) results in a non-conservative amino acid change in the encoded protein sequence. Algorithms developed to predict the effect of missense changes on protein structure and function all suggest that this variant is likely to be disruptive. The variant was absent in 183119 control chromosomes. c.116G>A has been observed in individuals affected with or with clinical features of Ornithine Transcarbamylase Deficiency (e.g. Shchelochkov_2009, Internal data). These data indicate that the variant may be associated with disease. To our knowledge, no experimental evidence demonstrating an impact on protein function has been reported. The following publications has been ascertained in the context of this evaluation (PMID: 19138872). ClinVar contains an entry for this variant (Variation ID: 654598). Based on the evidence outlined above, the variant was classified as VUS-possibly pathogenic.

GeneDx
Classification: Uncertain significance. Last evaluated: 2024-11-19. Review status: criteria provided, single submitter. Criteria: GeneDx Variant Classification Process June 2021. Collection method: clinical testing. Allele origin: germline. Affected: yes.
Comment: Not observed at significant frequency in large population cohorts (gnomAD); In silico analysis supports that this missense variant has a deleterious effect on protein structure/function; Has not been previously published as pathogenic or benign to our knowledge; This variant is associated with the following publications: (PMID: 19138872, 37146589)

Labcorp Genetics (formerly Invitae), Labcorp
Classification: Pathogenic for Ornithine carbamoyltransferase deficiency. Last evaluated: 2023-03-02. Review status: criteria provided, single submitter. Criteria: Invitae Variant Classification Sherloc (09022015). Collection method: clinical testing. Allele origin: germline.
Comment: ClinVar contains an entry for this variant (Variation ID: 654598). This missense change has been observed in individuals with ornithine transcarbamylase deficiency (PMID: 19138872; Invitae). This variant is not present in population databases (gnomAD no frequency). This sequence change replaces glycine, which is neutral and non-polar, with aspartic acid, which is acidic and polar, at codon 39 of the OTC protein (p.Gly39Asp). Advanced modeling of protein sequence and biophysical properties (such as structural, functional, and spatial information, amino acid conservation, physicochemical variation, residue mobility, and thermodynamic stability) performed at Invitae indicates that this missense variant is expected to disrupt OTC protein function. For these reasons, this variant has been classified as Pathogenic. This variant disrupts the p.Gly39 amino acid residue in OTC. Other variant(s) that disrupt this residue have been observed in individuals with OTC-related conditions (PMID: 9452049), which suggests that this may be a clinically significant amino acid residue.

Genome-Nilou Lab
Classification: Uncertain significance for Ornithine carbamoyltransferase deficiency. Last evaluated: 2021-11-07. Review status: criteria provided, single submitter. Criteria: ACMG Guidelines, 2015. Collection method: clinical testing. Allele origin: germline. Affected: no.

PreventionGenetics, part of Exact Sciences
Classification: Uncertain significance for OTC-related condition. Last evaluated: 2024-08-12. Review status: no assertion criteria provided. Collection method: clinical testing. Allele origin: germline. Not counted in ClinVar's aggregate classification.
Comment: The OTC c.116G>A variant is predicted to result in the amino acid substitution p.Gly39Asp. This variant was reported in an individual with suspected ornithine transcarbamylase (OTC) deficiency, although no additional clinical, genetic or functional evidence was provided to help establish pathogenicity (Shchelochkov et al 2009. PubMed ID: 19138872). Other variants impacting the p.Gly39 amino acid (p.Gly39Cys, p.Gly39Ala, p.Gly39Val) have been reported in patients with OTC deficiency (Calvas et al. 1998. PubMed ID: 9452049; Table S2 in Makris et al. 2021. PubMed ID: 33309754; Zheng et al. 2020. PubMed ID: 32410394), suggesting the p.Gly39 amino acid may be important for OTC function. This variant has not been reported in a large population database, indicating this variant is rare. Although we suspect that this variant may be pathogenic, at this time, the clinical significance of this variant is uncertain due to the absence of conclusive functional and genetic evidence.

Literature cited by the submitters: PubMed 19138872 (cited by Women's Health and Genetics/Laboratory Corporation of America, LabCorp and Labcorp Genetics (formerly Invitae), Labcorp); PubMed 9452049 (cited by Labcorp Genetics (formerly Invitae), Labcorp).